The following is an entry in ClinVar:

ClinVar aggregate classification (germline): Likely benign. Review status: criteria provided, single submitter (1 of 4 stars). 2 submissions from 2 submitters: Likely benign (1). 1 of the submissions does not count toward it. Last evaluated 2024-10-01.

Conditions:
PTPRS-related disorder. Also called: PTPRS-related condition.

Allele frequency attached by ClinVar (database versions not stated): 1000 Genomes Project 30x 0.00016; gnomAD 0.00112; ExAC 0.00023; 1000 Genomes Project 0.00040.
gnomAD v4.1: 2,259 of 1,448,524 alleles (0.16%); highest among the groups gnomAD compares: Non-Finnish European, 0.2%; 3 homozygotes.

Submissions (2):

CeGaT Center for Human Genetics Tuebingen
Classification: Likely benign. Last evaluated: 2024-10-01. Review status: criteria provided, single submitter. Criteria: CeGaT Center For Human Genetics Tuebingen Variant Classification Criteria Version 2. Collection method: clinical testing. Allele origin: germline. Affected: yes. Observed: 1 variant allele.
Comment: PTPRS: BP4, BP7

PreventionGenetics, part of Exact Sciences
Classification: Likely benign for PTPRS-related condition. Last evaluated: 2019-04-16. Review status: no assertion criteria provided. Collection method: clinical testing. Allele origin: germline. Not counted in ClinVar's aggregate classification.
Comment: This variant is classified as likely benign based on ACMG/AMP sequence variant interpretation guidelines (Richards et al. 2015 PMID: 25741868, with internal and published modifications).

NM_002850.4(PTPRS):c.2340C>T (p.Ala780=)

Gene: PTPRS (protein tyrosine phosphatase receptor type S; minus strand). Cytogenetic location: 19p13.3.
Variant type: single nucleotide variant.
Coding change: c.2340C>T on transcript NM_002850.4 (MANE Select); coding-DNA position 2340, C replaced by T.
Protein change: p.Ala780=; no amino-acid change (alanine 780 retained).
Molecular consequence: synonymous variant. On other transcripts: intron variant (2).
Genome position (GRCh38, 1-based): chr19:5,229,500, G>A on the plus strand (C>T on the coding strand, the complement: PTPRS is on the minus strand). VCF-style: chr19-5229500-G-A. GRCh37 (hg19) VCF-style: chr19-5229511-G-A.
Other names: c.2301C>T, p.Ala767= (NM_001394011.1, NM_001394012.1, NM_001394013.1 and 1 more transcripts); c.1811-7280C>T (NM_130853.3); c.1823-7280C>T (NM_130855.3).
Identifiers: ClinVar variation 3038063 (VCV003038063.16), dbSNP rs556513528, ClinGen allele CA9110058.